The following is an entry in ClinVar:

ClinVar aggregate classification (germline): Likely benign (0 of 4 stars; one submission).

Conditions:
OPA1-related disorder. Also called: OPA1-related condition; OPA1-related disorders.

Allele frequency attached by ClinVar (database versions not stated): gnomAD 0.00007; TOPMed 0.00014; 1000 Genomes Project 30x 0.00016; 1000 Genomes Project 0.00020.
gnomAD v4.1: 11 of 152,180 alleles (0.0072%); highest among the groups gnomAD compares: East Asian, 0.019%; no homozygotes.

Submission:

PreventionGenetics, part of Exact Sciences
Classification: Likely benign for OPA1-related condition. Last evaluated: 2019-06-17. Review status: no assertion criteria provided. Collection method: clinical testing. Allele origin: germline.
Comment: This variant is classified as likely benign based on ACMG/AMP sequence variant interpretation guidelines (Richards et al. 2015 PMID: 25741868, with internal and published modifications).

NM_130837.3(OPA1):c.610+363C>T

Gene: OPA1 (OPA1 mitochondrial dynamin like GTPase; plus strand). Cytogenetic location: 3q29.
Variant type: single nucleotide variant.
Coding change: c.610+363C>T on transcript NM_130837.3 (MANE Select); 363 bases into the intron after coding-DNA position 610, C replaced by T.
Molecular consequence: intron variant.
Genome position (GRCh38, 1-based): chr3:193,618,200, C>T. VCF-style: chr3-193618200-C-T. GRCh37 (hg19) VCF-style: chr3-193335989-C-T.
Other names: c.185-669C>T (NM_001354664.2); c.77-669C>T (NM_001354663.2); c.610+363C>T (NM_130834.3); c.557-669C>T (NM_130836.3, NM_015560.3); c.502+363C>T (NM_130835.3, NM_130832.3); c.449-669C>T (NM_130833.3, NM_130831.3).
Identifiers: ClinVar variation 3034142 (VCV003034142.2), dbSNP rs192879151, ClinGen allele CA90570013.